The following is an entry in ClinVar:

ClinVar aggregate classification (germline): Uncertain significance (1 of 4 stars; one submission).

Conditions:
Cardiovascular phenotype. Identifiers: MedGen CN230736.

Allele frequency attached by ClinVar (database versions not stated): gnomAD exomes below 0.00001.
gnomAD v4.1: 1 of 1,608,522 alleles (0.000062%); highest among the groups gnomAD compares: South Asian, 0.0011%; no homozygotes.

Submission:

Ambry Genetics
Classification: Uncertain significance for Cardiovascular phenotype. Last evaluated: 2021-03-24. Review status: criteria provided, single submitter. Criteria: Ambry Variant Classification Scheme 2023. Collection method: clinical testing. Allele origin: germline.
Comment: The p.Y332S variant (also known as c.995A>C), located in coding exon 8 of the GPD1L gene, results from an A to C substitution at nucleotide position 995. The tyrosine at codon 332 is replaced by serine, an amino acid with dissimilar properties. This amino acid position is well conserved in available vertebrate species. In addition, the in silico prediction for this alteration is inconclusive. Since supporting evidence is limited at this time, the clinical significance of this alteration remains unclear.

NM_015141.4(GPD1L):c.995A>C (p.Tyr332Ser)

Gene: GPD1L (glycerol-3-phosphate dehydrogenase 1 like; plus strand). Cytogenetic location: 3p22.3.
Variant type: single nucleotide variant.
Coding change: c.995A>C on transcript NM_015141.4 (MANE Select); coding-DNA position 995, A replaced by C.
Protein change: p.Tyr332Ser; replaces tyrosine 332 with serine.
Molecular consequence: missense variant.
Genome position (GRCh38, 1-based): chr3:32,165,849, A>C. VCF-style: chr3-32165849-A-C. GRCh37 (hg19) VCF-style: chr3-32207341-A-C.
Other names: short protein forms Y332S.
Identifiers: ClinVar variation 1768720 (VCV001768720.2), dbSNP rs775731610, ClinGen allele CA72536910.